The following is an entry in ClinVar:

NM_001110556.2(FLNA):c.1327C>T (p.Arg443Cys)

Gene: FLNA (filamin A; minus strand). Cytogenetic location: Xq28.
Variant type: single nucleotide variant.
Coding change: c.1327C>T on transcript NM_001110556.2 (MANE Select); coding-DNA position 1327, C replaced by T.
Protein change: p.Arg443Cys; replaces arginine 443 with cysteine.
Molecular consequence: missense variant.
Genome position (GRCh38, 1-based): chrX:154,366,126, G>A on the plus strand (C>T on the coding strand, the complement: FLNA is on the minus strand). VCF-style: chrX-154366126-G-A. GRCh37 (hg19) VCF-style: chrX-153594494-G-A.
Other names: c.1327C>T (NM_001110556.1); c.1327C>T, p.Arg443Cys (NM_001456.4); short protein forms R443C.
Identifiers: ClinVar variation 514294 (VCV000514294.23), dbSNP rs782673341, ClinGen allele CA10561205.

ClinVar aggregate classification (germline): Benign/Likely benign. Review status: criteria provided, multiple submitters, no conflicts (2 of 4 stars). 6 submissions from 6 submitters: Benign (2); Likely benign (3). 1 of the submissions does not count toward it. Last evaluated 2025-10-29.

Conditions:
Familial thoracic aortic aneurysm and aortic dissection (TAAD). Also called: Thoracic aortic aneurysms and dissections. Identifiers: Orphanet 91387, MedGen C4707243, MONDO:0019625.
Heterotopia, periventricular, X-linked dominant (PVNH1). Also called: PERIVENTRICULAR NODULAR HETEROTOPIA 1; X-linked periventricular heterotopia; PERIVENTRICULAR NODULAR HETEROTOPIA 4; HETEROTOPIA, PERIVENTRICULAR, 1. Identifiers: Orphanet 2149, Orphanet 82004, MedGen C1848213, MONDO:0010233, OMIM 300049.
Melnick-Needles syndrome (MNS). Also called: OSTEODYSPLASTY OF MELNICK AND NEEDLES; Melnick-Needles Syndrome (FLNA-MNS); MELNICK-NEEDLES OSTEODYSPLASTY. Identifiers: Orphanet 2484, MedGen C0025237, MONDO:0010650, OMIM 309350.
Oto-palato-digital syndrome, type II (OPD2). Also called: OPD II SYNDROME; Otopalatodigital Syndrome, Type II; FACIOPALATOOSSEOUS SYNDROME; Otopalatodigital Syndrome Type 2 (FLNA-OPD2). Identifiers: Orphanet 669, Orphanet 90652, MedGen C1844696, MONDO:0010571, OMIM 304120.
Frontometaphyseal dysplasia (FMD1). Identifiers: Orphanet 1826, MedGen C0265293, MONDO:0015942.
FLNA-related disorder.

Allele frequency attached by ClinVar (database versions not stated): gnomAD 0.00004 and 0.00005; TOPMed 0.00005; gnomAD exomes 0.00006 and 0.00012; ExAC 0.00011; 1000 Genomes Project 30x 0.00021; 1000 Genomes Project 0.00026.
gnomAD v4.1: 68 of 1,209,039 alleles (0.0056%); highest among the groups gnomAD compares: South Asian, 0.079%; 1 homozygote.

Submissions (6):

Women's Health and Genetics/Laboratory Corporation of America, LabCorp
Classification: Likely benign. Last evaluated: 2025-10-29. Review status: criteria provided, single submitter. Criteria: LabCorp Variant Classification Summary - May 2015. Collection method: clinical testing. Allele origin: germline.
Comment: Variant summary: FLNA c.1327C>T (p.Arg443Cys) results in a non-conservative amino acid change in the encoded protein sequence. Algorithms developed to predict the effect of missense changes on protein structure and function all suggest that this variant is likely to be disruptive. The variant allele was found at a frequency of 0.00012 in 179856 control chromosomes, including 15 hemizygotes and 1 homozygote, predominantly at a frequency of 0.00084 within the South Asian subpopulation in the gnomAD database. The observed variant frequency within South Asian control individuals in the gnomAD database exceeds the estimated maximal expected allele frequency for disease-causing variants in FLNA. To our knowledge, no occurrence of c.1327C>T in individuals affected with FLNA-related conditions and no experimental evidence demonstrating its impact on protein function have been reported. ClinVar contains an entry for this variant (Variation ID: 514294). Based on the evidence outlined above, the variant was classified as likely benign.

Labcorp Genetics (formerly Invitae), Labcorp
Classification: Benign for Oto-palato-digital syndrome, type II; Heterotopia, periventricular, X-linked dominant; Frontometaphyseal dysplasia; Melnick-Needles syndrome. Last evaluated: 2025-10-16. Review status: criteria provided, single submitter. Criteria: Invitae Variant Classification Sherloc (09022015). Collection method: clinical testing. Allele origin: germline.

Ambry Genetics
Classification: Benign for Familial thoracic aortic aneurysm and aortic dissection. Last evaluated: 2024-06-28. Review status: criteria provided, single submitter. Criteria: Ambry Variant Classification Scheme 2023. Collection method: clinical testing. Allele origin: germline.

Blueprint Genetics
Classification: Likely benign. Last evaluated: 2022-02-09. Review status: criteria provided, single submitter. Criteria: ACMG Guidelines, 2015. Collection method: clinical testing. Allele origin: germline.

GeneDx
Classification: Likely benign. Last evaluated: 2021-06-02. Review status: criteria provided, single submitter. Criteria: GeneDx Variant Classification Process June 2021. Collection method: clinical testing. Allele origin: germline. Affected: yes.
Comment: This variant is associated with the following publications: (PMID: 30986657, 27535533, 26582918)

PreventionGenetics, part of Exact Sciences
Classification: Likely benign for FLNA-related condition. Last evaluated: 2020-11-24. Review status: no assertion criteria provided. Collection method: clinical testing. Allele origin: germline. Not counted in ClinVar's aggregate classification.
Comment: This variant is classified as likely benign based on ACMG/AMP sequence variant interpretation guidelines (Richards et al. 2015 PMID: 25741868, with internal and published modifications).

Literature cited by the submitters: PubMed 30986657 (cited by Ambry Genetics).